The following is an entry in ClinVar:

NM_001287.6(CLCN7):c.866T>C (p.Val289Ala)

Gene: CLCN7 (chloride voltage-gated channel 7; minus strand). Cytogenetic location: 16p13.3.
Variant type: single nucleotide variant.
Coding change: c.866T>C on transcript NM_001287.6 (MANE Select); coding-DNA position 866, T replaced by C.
Protein change: p.Val289Ala; replaces valine 289 with alanine.
Molecular consequence: missense variant.
Genome position (GRCh38, 1-based): chr16:1,456,163, A>G on the plus strand (T>C on the coding strand, the complement: CLCN7 is on the minus strand). VCF-style: chr16-1456163-A-G. GRCh37 (hg19) VCF-style: chr16-1506164-A-G.
Other names: c.794T>C, p.Val265Ala (NM_001114331.3); short protein forms V289A, V265A.
Identifiers: ClinVar variation 1382283 (VCV001382283.6), dbSNP rs2142380023, ClinGen allele CA394190365.

ClinVar aggregate classification (germline): Uncertain significance (1 of 4 stars; one submission).

Submission:

Labcorp Genetics (formerly Invitae), Labcorp
Classification: Uncertain significance. Last evaluated: 2021-09-19. Review status: criteria provided, single submitter. Criteria: Invitae Variant Classification Sherloc (09022015). Collection method: clinical testing. Allele origin: germline.
Comment: This sequence change replaces valine with alanine at codon 289 of the CLCN7 protein (p.Val289Ala). The valine residue is highly conserved and there is a small physicochemical difference between valine and alanine. This variant is not present in population databases (ExAC no frequency). This missense change has been observed in individual(s) with clinical features of osteopetrosis (Invitae). Algorithms developed to predict the effect of missense changes on protein structure and function (SIFT, PolyPhen-2, Align-GVGD) all suggest that this variant is likely to be disruptive. This variant disrupts the p.Val289 amino acid residue in CLCN7. Other variant(s) that disrupt this residue have been observed in individuals with CLCN7-related conditions (PMID: 26056022), which suggests that this may be a clinically significant amino acid residue. In summary, the available evidence is currently insufficient to determine the role of this variant in disease. Therefore, it has been classified as a Variant of Uncertain Significance.

Literature cited by the submitters: PubMed 26056022.